The following is an entry in ClinVar:

ClinVar aggregate classification (germline): Benign/Likely benign. Review status: criteria provided, multiple submitters, no conflicts (2 of 4 stars). 4 submissions from 4 submitters: Benign (1); Likely benign (3). Last evaluated 2025-07-02.

Conditions:
Hereditary cancer-predisposing syndrome. Also called: Hereditary neoplastic syndrome; Neoplastic Syndromes, Hereditary; Tumor predisposition; Hereditary Cancer Syndrome. Identifiers: Orphanet 140162, MedGen C0027672, MeSH D009386, MONDO:0015356.
Familial cancer of breast. Also called: BREAST CANCER, FAMILIAL; Hereditary breast cancer; hereditary breast carcinoma. Identifiers: Orphanet 227535, MedGen C0346153, MONDO:0016419, OMIM 114480. Disease mechanism: loss of function.

gnomAD v4.1: 2 of 1,614,156 alleles (0.00012%); highest among the groups gnomAD compares: South Asian, 0.0011%; no homozygotes.

Submissions (4):

Labcorp Genetics (formerly Invitae), Labcorp
Classification: Likely benign for Familial cancer of breast. Last evaluated: 2025-07-02. Review status: criteria provided, single submitter. Criteria: Invitae Variant Classification Sherloc (09022015). Collection method: clinical testing. Allele origin: germline.

Myriad Genetics, Inc.
Classification: Benign for Familial cancer of breast. Last evaluated: 2025-01-10. Review status: criteria provided, single submitter. Criteria: Myriad Autosomal Dominant, Autosomal Recessive and X-Linked Classification Criteria (2023). Collection method: clinical testing. Allele origin: unknown.
Comment: This variant is considered benign. This variant is a silent/synonymous amino acid change and it is not expected to impact splicing.

Ambry Genetics
Classification: Likely benign for Hereditary cancer-predisposing syndrome. Last evaluated: 2022-09-28. Review status: criteria provided, single submitter. Criteria: Ambry Variant Classification Scheme 2023. Collection method: clinical testing. Allele origin: germline.

Color Diagnostics, LLC DBA Color Health
Classification: Likely benign for Hereditary cancer-predisposing syndrome. Last evaluated: 2019-04-16. Review status: criteria provided, single submitter. Criteria: ACMG Guidelines, 2015. Collection method: clinical testing. Allele origin: germline.

NM_024675.4(PALB2):c.843T>C (p.Ile281=)

Gene: PALB2 (partner and localizer of BRCA2; minus strand). Cytogenetic location: 16p12.2.
Variant type: single nucleotide variant.
Coding change: c.843T>C on transcript NM_024675.4 (MANE Select); coding-DNA position 843, T replaced by C.
Protein change: p.Ile281=; no amino-acid change (isoleucine 281 retained).
Molecular consequence: synonymous variant.
Genome position (GRCh38, 1-based): chr16:23,635,703, A>G on the plus strand (T>C on the coding strand, the complement: PALB2 is on the minus strand). VCF-style: chr16-23635703-A-G. GRCh37 (hg19) VCF-style: chr16-23647024-A-G.
Identifiers: ClinVar variation 184334 (VCV000184334.13), dbSNP rs786201408, ClinGen allele CA188645.
Genomic context (GRCh38, chr16:23,635,703, plus strand): 5'-ATCTGTAGAGACAGTCATTTTTTTGCCTTGTGCCTCCAAACTTACAGGTGAAGTAAATCT[A>G]ATGTTTTTTAGGTCGTGAGTAGTAAGTTCACTGCTACCTTTAGGAGGAATGTGTTCAAGG-3'
Protein context (NP_078951.2, residues 271-291): SELTTHDLKN[Ile281=]RFTSPVSLEA